The following is an entry in ClinVar:

ClinVar aggregate classification (germline): Uncertain significance. Review status: criteria provided, multiple submitters, no conflicts (2 of 4 stars). 2 submissions from 2 submitters: Uncertain significance (2). Last evaluated 2025-12-08.

Conditions:
Inborn genetic diseases. Identifiers: MedGen C0950123, MeSH D030342.

Allele frequency attached by ClinVar (database versions not stated): gnomAD 0.00001; ExAC 0.00003; gnomAD exomes 0.00003; TOPMed 0.00003; ESP Exome Variant Server 0.00008.
gnomAD v4.1: 38 of 1,613,932 alleles (0.0024%); highest among the groups gnomAD compares: Middle Eastern, 0.017%; no homozygotes.

Submissions (2):

Labcorp Genetics (formerly Invitae), Labcorp
Classification: Uncertain significance. Last evaluated: 2025-12-08. Review status: criteria provided, single submitter. Criteria: Invitae Variant Classification Sherloc (09022015). Collection method: clinical testing. Allele origin: germline.
Comment: This sequence change replaces glycine, which is neutral and non-polar, with serine, which is neutral and polar, at codon 808 of the ADAMTS17 protein (p.Gly808Ser). This variant is present in population databases (rs375971368, gnomAD 0.01%). This variant has not been reported in the literature in individuals affected with ADAMTS17-related conditions. ClinVar contains an entry for this variant (Variation ID: 1382367). An algorithm developed to predict the effect of missense changes on protein structure and function outputs the following: PolyPhen-2: "Benign". The serine amino acid residue is found in multiple mammalian species, which suggests that this missense change does not adversely affect protein function. In summary, the available evidence is currently insufficient to determine the role of this variant in disease. Therefore, it has been classified as a Variant of Uncertain Significance.

Ambry Genetics
Classification: Uncertain significance for Inborn genetic diseases. Last evaluated: 2025-06-06. Review status: criteria provided, single submitter. Criteria: Ambry Variant Classification Scheme 2023. Collection method: clinical testing. Allele origin: germline.

NM_139057.4(ADAMTS17):c.2422G>A (p.Gly808Ser)

Gene: ADAMTS17 (ADAM metallopeptidase with thrombospondin type 1 motif 17; minus strand). Cytogenetic location: 15q26.3.
Variant type: single nucleotide variant.
Coding change: c.2422G>A on transcript NM_139057.4 (MANE Select); coding-DNA position 2422, G replaced by A.
Protein change: p.Gly808Ser; replaces glycine 808 with serine.
Molecular consequence: missense variant.
Genome position (GRCh38, 1-based): chr15:100,051,605, C>T on the plus strand (G>A on the coding strand, the complement: ADAMTS17 is on the minus strand). VCF-style: chr15-100051605-C-T. GRCh37 (hg19) VCF-style: chr15-100591810-C-T.
Other names: c.2422G>A (NM_139057.2); short protein forms G808S.
Identifiers: ClinVar variation 1382367 (VCV001382367.5), dbSNP rs375971368, ClinGen allele CA7757737.